The following is an entry in ClinVar:

NM_001018115.3(FANCD2):c.758G>A (p.Arg253Gln)

Genes: FANCD2 (FA complementation group D2; plus strand), LOC107303338 (3p25 FANCD2 Alu-mediated recombination region; plus strand). Cytogenetic location: 3p25.3.
Variant type: single nucleotide variant.
Coding change: c.758G>A on transcript NM_001018115.3 (MANE Select); coding-DNA position 758, G replaced by A.
Protein change: p.Arg253Gln; replaces arginine 253 with glutamine.
Molecular consequence: missense variant.
Genome position (GRCh38, 1-based): chr3:10,041,685, G>A. VCF-style: chr3-10041685-G-A. GRCh37 (hg19) VCF-style: chr3-10083369-G-A.
Other names: c.758G>A, p.Arg253Gln (NM_001319984.2, NM_001374253.1, NM_001374254.1 and 1 more transcripts); c.758G>A (NM_033084.4); short protein forms R253Q.
Identifiers: ClinVar variation 2189302 (VCV002189302.2), dbSNP rs766532127, ClinGen allele CA2249341.
Genomic context (GRCh38, chr3:10,041,685, plus strand): 5'-ACCTACTGATAGAGAATACTTCACTCACTGTCCCAATCCTGGATGTCCTTTCAAGCCTCC[G>A]ACTTGACCCAAACTTCCTATTGAAGGTAGAAAAGACTCAGCTTTCCAGAAACAGAGCCAG-3'
Protein context (NP_001018125.1, residues 243-263): VPILDVLSSL[Arg253Gln]LDPNFLLKVR

ClinVar aggregate classification (germline): Uncertain significance. Review status: criteria provided, multiple submitters, no conflicts (2 of 4 stars). 2 submissions from 2 submitters: Uncertain significance (2). Last evaluated 2024-06-12.

Conditions:
Fanconi anemia (FA). Also called: Fanconi's anemia. Identifiers: Orphanet 84, MedGen C0015625, MeSH D005199, MONDO:0019391.
Fanconi anemia complementation group D2. Also called: FANCONI PANCYTOPENIA, TYPE 4; FANCONI ANEMIA, COMPLEMENTATION GROUP D; FANCD2-Related Fanconi Anemia. Identifiers: Orphanet 84, MedGen C3160738, MONDO:0009214, OMIM 227646.

Allele frequency attached by ClinVar (database versions not stated): TOPMed below 0.00001; gnomAD 0.00001; ExAC 0.00002; gnomAD exomes 0.00002.
gnomAD v4.1: 27 of 1,613,608 alleles (0.0017%); highest among the groups gnomAD compares: Non-Finnish European, 0.0021%; no homozygotes.

Submissions (2):

Fulgent Genetics
Classification: Uncertain significance for Fanconi anemia complementation group D2. Last evaluated: 2024-06-12. Review status: criteria provided, single submitter. Criteria: ACMG Guidelines, 2015. Collection method: clinical testing. Allele origin: germline.

Labcorp Genetics (formerly Invitae), Labcorp
Classification: Uncertain significance for Fanconi anemia. Last evaluated: 2022-03-26. Review status: criteria provided, single submitter. Criteria: Invitae Variant Classification Sherloc (09022015). Collection method: clinical testing. Allele origin: germline.
Comment: This sequence change replaces arginine, which is basic and polar, with glutamine, which is neutral and polar, at codon 253 of the FANCD2 protein (p.Arg253Gln). This variant is present in population databases (rs766532127, gnomAD 0.007%). This variant has not been reported in the literature in individuals affected with FANCD2-related conditions. Algorithms developed to predict the effect of missense changes on protein structure and function output the following: SIFT: "Tolerated"; PolyPhen-2: "Benign"; Align-GVGD: "Class C0". The glutamine amino acid residue is found in multiple mammalian species, which suggests that this missense change does not adversely affect protein function. In summary, the available evidence is currently insufficient to determine the role of this variant in disease. Therefore, it has been classified as a Variant of Uncertain Significance.